The following is an entry in ClinVar:

ClinVar aggregate classification (germline): Uncertain significance. Review status: criteria provided, multiple submitters, no conflicts (2 of 4 stars). 2 submissions from 2 submitters: Uncertain significance (2). Last evaluated 2025-08-01.

Conditions:
Cardiac arrhythmia. Also called: Cardiac rhythm disease; Arrhythmia. Identifiers: MedGen C0003811, MONDO:0007263, HP:0011675.

gnomAD v4.1: 2 of 1,613,836 alleles (0.00012%); highest among the groups gnomAD compares: Non-Finnish European, 0.000085%; no homozygotes.

Submissions (2):

Ambry Genetics
Classification: Uncertain significance. Last evaluated: 2025-08-01. Review status: criteria provided, single submitter. Criteria: Ambry Variant Classification Scheme 2023. Collection method: clinical testing. Allele origin: germline.

Labcorp Genetics (formerly Invitae), Labcorp
Classification: Uncertain significance for Cardiac arrhythmia. Last evaluated: 2024-03-02. Review status: criteria provided, single submitter. Criteria: Invitae Variant Classification Sherloc (09022015). Collection method: clinical testing. Allele origin: germline.
Comment: This sequence change replaces valine, which is neutral and non-polar, with leucine, which is neutral and non-polar, at codon 58 of the RANGRF protein (p.Val58Leu). This variant is not present in population databases (gnomAD no frequency). This variant has not been reported in the literature in individuals affected with RANGRF-related conditions. An algorithm developed to predict the effect of missense changes on protein structure and function (PolyPhen-2) suggests that this variant is likely to be disruptive. In summary, the available evidence is currently insufficient to determine the role of this variant in disease. Therefore, it has been classified as a Variant of Uncertain Significance.

NM_016492.5(RANGRF):c.172G>T (p.Val58Leu)

Genes: RANGRF (RAN guanine nucleotide release factor; plus strand), SLC25A35 (solute carrier family 25 member 35; minus strand). Cytogenetic location: 17p13.1.
Variant type: single nucleotide variant.
Coding change: c.172G>T on transcript NM_016492.5 (MANE Select); coding-DNA position 172, G replaced by T.
Protein change: p.Val58Leu; replaces valine 58 with leucine.
Molecular consequence: missense variant. On other transcripts: 3 prime UTR variant (2), non-coding transcript variant (2), intron variant (1).
Genome position (GRCh38, 1-based): chr17:8,289,050, G>T. VCF-style: chr17-8289050-G-T. GRCh37 (hg19) VCF-style: chr17-8192368-G-T.
Other names: c.172G>T, p.Val58Leu (NM_001177801.2, NM_001177802.2, NM_001330127.2); c.*433C>A (NM_001320872.2); c.*566C>A (NM_201520.3); c.*42+524C>A (NM_001320871.2); short protein forms V58L.
Identifiers: ClinVar variation 3703476 (VCV003703476.3).